The following is an entry in ClinVar:

NM_024570.4(RNASEH2B):c.361G>T (p.Val121Leu)

Gene: RNASEH2B (ribonuclease H2 subunit B; plus strand). Cytogenetic location: 13q14.3.
Variant type: single nucleotide variant.
Coding change: c.361G>T on transcript NM_024570.4 (MANE Select); coding-DNA position 361, G replaced by T.
Protein change: p.Val121Leu; replaces valine 121 with leucine.
Molecular consequence: missense variant.
Genome position (GRCh38, 1-based): chr13:50,934,924, G>T. VCF-style: chr13-50934924-G-T. GRCh37 (hg19) VCF-style: chr13-51509060-G-T.
Other names: c.361G>T, p.Val121Leu (NM_001142279.2); short protein forms V121L.
Identifiers: ClinVar variation 1055604 (VCV001055604.4), dbSNP rs764980431, ClinGen allele CA249997150.

ClinVar aggregate classification (germline): Uncertain significance (1 of 4 stars; one submission).

Conditions:
Aicardi-Goutieres syndrome 2. Identifiers: Orphanet 51, MedGen C3489724, MONDO:0012429, OMIM 610181.

gnomAD v4.1: 3 of 1,613,918 alleles (0.00019%); highest among the groups gnomAD compares: Admixed American, 0.0033%; no homozygotes.

Submission:

Labcorp Genetics (formerly Invitae), Labcorp
Classification: Uncertain significance for Aicardi-Goutieres syndrome 2. Last evaluated: 2022-08-23. Review status: criteria provided, single submitter. Criteria: Invitae Variant Classification Sherloc (09022015). Collection method: clinical testing. Allele origin: germline.
Comment: This sequence change replaces valine, which is neutral and non-polar, with leucine, which is neutral and non-polar, at codon 121 of the RNASEH2B protein (p.Val121Leu). This variant is present in population databases (no rsID available, gnomAD 0.007%). This variant has not been reported in the literature in individuals affected with RNASEH2B-related conditions. ClinVar contains an entry for this variant (Variation ID: 1055604). Algorithms developed to predict the effect of missense changes on protein structure and function output the following: SIFT: "Tolerated"; PolyPhen-2: "Benign"; Align-GVGD: "Class C0". The leucine amino acid residue is found in multiple mammalian species, which suggests that this missense change does not adversely affect protein function. In summary, the available evidence is currently insufficient to determine the role of this variant in disease. Therefore, it has been classified as a Variant of Uncertain Significance.